The following is an entry in ClinVar:

NM_000051.4(ATM):c.9138C>G (p.Ser3046Arg)

Genes: ATM (ATM serine/threonine kinase; plus strand), C11orf65 (chromosome 11 open reading frame 65; minus strand). Cytogenetic location: 11q22.3.
Variant type: single nucleotide variant.
Coding change: c.9138C>G on transcript NM_000051.4 (MANE Select); coding-DNA position 9138, C replaced by G.
Protein change: p.Ser3046Arg; replaces serine 3046 with arginine.
Molecular consequence: missense variant. On other transcripts: intron variant (2).
Genome position (GRCh38, 1-based): chr11:108,365,475, C>G. VCF-style: chr11-108365475-C-G. GRCh37 (hg19) VCF-style: chr11-108236202-C-G.
Other names: c.9138C>G, p.Ser3046Arg (NM_001351834.2); c.640+20445G>C (NM_001330368.2); c.694+20445G>C (NM_001351110.2); short protein forms S3046R.
Identifiers: ClinVar variation 859192 (VCV000859192.10), dbSNP rs1591388202, ClinGen allele CA382532100.
Genomic context (GRCh38, chr11:108,365,475, plus strand): 5'-CAGTGTTGGTGGACAAGTGAATTTGCTCATACAGCAGGCCATAGACCCCAAAAATCTCAG[C>G]CGACTTTTCCCAGGATGGAAAGCTTGGGTGTGATCTTCAGTATATGAATTACCCTTTCAT-3'
Protein context (NP_000042.3, residues 3036-3056): IQQAIDPKNL[Ser3046Arg]RLFPGWKAWV

ClinVar aggregate classification (germline): Conflicting classifications of pathogenicity. Review status: criteria provided, conflicting classifications (1 of 4 stars). 3 submissions from 3 submitters: Likely pathogenic (1); Uncertain significance (2). Last evaluated 2026-01-23.

Conditions:
Hereditary cancer-predisposing syndrome. Also called: Tumor predisposition; Neoplastic Syndromes, Hereditary; Hereditary Cancer Syndrome; Hereditary neoplastic syndrome. Identifiers: Orphanet 140162, MedGen C0027672, MeSH D009386, MONDO:0015356.
Ataxia-telangiectasia syndrome (AT). Also called: ATAXIA-TELANGIECTASIA, COMPLEMENTATION GROUP A; ATAXIA-TELANGIECTASIA, FRESNO VARIANT; Ataxia-telangiectasia; Ataxia-telangiectasia, complementation group D; AT, COMPLEMENTATION GROUP C; Ataxia-telangiectasia, complementation group E. Identifiers: Orphanet 100, MedGen C0004135, MONDO:0008840, OMIM 208900.

Allele frequency attached by ClinVar (database versions not stated): TOPMed below 0.00001.

Submissions (3):

Ambry Genetics
Classification: Likely pathogenic for Hereditary cancer-predisposing syndrome. Last evaluated: 2026-01-23. Review status: criteria provided, single submitter. Criteria: Ambry Variant Classification Scheme 2023. Collection method: clinical testing. Allele origin: germline.
Comment: The p.S3046R variant (also known as c.9138C>G), located in coding exon 62 of the ATM gene, results from a C to G substitution at nucleotide position 9138. The serine at codon 3046 is replaced by arginine, an amino acid with dissimilar properties. This variant has been identified in the homozygous state and/or in conjunction with other ATM variant(s) in individual(s) with features consistent with ataxia telangiectasia (Micol R et al. J Allergy Clin Immunol, 2011 Aug;128:382-9.e1). In an assay testing ATM function, this variant showed a functionally abnormal result (Lee KS et al. Cell, 2025 Sep;188:5081-5099.e27). This amino acid position is highly conserved in available vertebrate species. Based on internal structural analysis, this variant is deleterious (Huang J et al. Nature. 2012 Feb;482:542-6). In addition, this alteration is predicted to be deleterious by in silico analysis. Based on the majority of available evidence to date, this variant is likely to be pathogenic.

Women's Health and Genetics/Laboratory Corporation of America, LabCorp
Classification: Uncertain significance. Last evaluated: 2024-12-26. Review status: criteria provided, single submitter. Criteria: LabCorp Variant Classification Summary - May 2015. Collection method: clinical testing. Allele origin: germline.
Comment: Variant summary: ATM c.9138C>G (p.Ser3046Arg) results in a non-conservative amino acid change located in the FATC domain (IPR003152) of the encoded protein sequence. Five of five in-silico tools predict a damaging effect of the variant on protein function. The variant was absent in 251438 control chromosomes (gnomAD). The available data on variant occurrences in the general population are insufficient to allow any conclusion about variant significance. c.9138C>G has been reported in the literature in at least one individual affected with Ataxia-Telangiectasia (Micol_2011). These data do not allow clear conclusions about variant significance. To our knowledge, no experimental evidence demonstrating an impact on protein function has been reported. The following publication have been ascertained in the context of this evaluation (PMID: 21665257). ClinVar contains an entry for this variant (Variation ID: 859192). Based on the evidence outlined above, the variant was classified as uncertain significance.

Labcorp Genetics (formerly Invitae), Labcorp
Classification: Uncertain significance for Ataxia-telangiectasia syndrome. Last evaluated: 2021-09-04. Review status: criteria provided, single submitter. Criteria: Invitae Variant Classification Sherloc (09022015). Collection method: clinical testing. Allele origin: germline.
Comment: In summary, the available evidence is currently insufficient to determine the role of this variant in disease. Therefore, it has been classified as a Variant of Uncertain Significance. Advanced modeling of protein sequence and biophysical properties (such as structural, functional, and spatial information, amino acid conservation, physicochemical variation, residue mobility, and thermodynamic stability) performed at Invitae indicates that this missense variant is expected to disrupt ATM protein function. ClinVar contains an entry for this variant (Variation ID: 859192). This missense change has been observed in individual(s) with ataxia-telangiectasia (PMID: 21665257). This variant is not present in population databases (ExAC no frequency). This sequence change replaces serine with arginine at codon 3046 of the ATM protein (p.Ser3046Arg). The serine residue is highly conserved and there is a moderate physicochemical difference between serine and arginine.

Literature cited by the submitters: PubMed 21665257 (cited by 3 submitters); PubMed 40580951 (cited by Ambry Genetics).